The following is an entry in ClinVar:

NM_002471.4(MYH6):c.2611C>G (p.Arg871Gly)

Gene: MYH6 (myosin heavy chain 6; minus strand). Cytogenetic location: 14q11.2.
Variant type: single nucleotide variant.
Coding change: c.2611C>G on transcript NM_002471.4 (MANE Select); coding-DNA position 2611, C replaced by G.
Protein change: p.Arg871Gly; replaces arginine 871 with glycine.
Molecular consequence: missense variant.
Genome position (GRCh38, 1-based): chr14:23,394,142, G>C on the plus strand (C>G on the coding strand, the complement: MYH6 is on the minus strand). VCF-style: chr14-23394142-G-C. GRCh37 (hg19) VCF-style: chr14-23863351-G-C.
Other names: short protein forms R871G.
Identifiers: ClinVar variation 4883018 (VCV004883018.2).

ClinVar aggregate classification (germline): Uncertain significance (1 of 4 stars; one submission).

Submission:

Dasa
Classification: Uncertain significance. Last evaluated: 2024-12-02. Review status: criteria provided, single submitter. Criteria: DASA Assertion Criteria. Collection method: clinical testing. Allele origin: germline.
Comment: NM_002471.4(MYH6):c.2611C>G (p.Arg871Gly) is a missense variant that results in the substitution of arginine with glycine. This variant is absent from population databases. The currently available literature and clinical evidence are not sufficient to establish a definitive association between this variant and the reported condition. Therefore, this variant is classified as a variant of uncertain significance.